The following is an entry in ClinVar:

ClinVar aggregate classification (germline): Uncertain significance (1 of 4 stars; one submission).

gnomAD v4.1: 10 of 1,611,668 alleles (0.00062%); highest among the groups gnomAD compares: Non-Finnish European, 0.00085%; no homozygotes.

Submission:

Labcorp Genetics (formerly Invitae), Labcorp
Classification: Uncertain significance. Last evaluated: 2022-09-02. Review status: criteria provided, single submitter. Criteria: Invitae Variant Classification Sherloc (09022015). Collection method: clinical testing. Allele origin: germline.
Comment: This sequence change falls in intron 4 of the MICAL1 gene. It does not directly change the encoded amino acid sequence of the MICAL1 protein. It affects a nucleotide within the consensus splice site. This variant is present in population databases (rs752133056, gnomAD 0.0009%). This variant has not been reported in the literature in individuals affected with MICAL1-related conditions. Variants that disrupt the consensus splice site are a relatively common cause of aberrant splicing (PMID: 17576681, 9536098). Algorithms developed to predict the effect of sequence changes on RNA splicing suggest that this variant may disrupt the consensus splice site. In summary, the available evidence is currently insufficient to determine the role of this variant in disease. Therefore, it has been classified as a Variant of Uncertain Significance.

Literature cited by the submitters: PubMed 17576681; PubMed 9536098.

NM_022765.4(MICAL1):c.571+5G>C

Gene: MICAL1 (microtubule associated monooxygenase, calponin and LIM domain containing 1; minus strand). Cytogenetic location: 6q21.
Variant type: single nucleotide variant.
Coding change: c.571+5G>C on transcript NM_022765.4 (MANE Select); 5 bases into the intron after coding-DNA position 571, G replaced by C.
Molecular consequence: intron variant.
Genome position (GRCh38, 1-based): chr6:109,453,258, C>G on the plus strand (G>C on the coding strand, the complement: MICAL1 is on the minus strand). VCF-style: chr6-109453258-C-G. GRCh37 (hg19) VCF-style: chr6-109774461-C-G.
Other names: c.628+5G>C (NM_001286613.2); c.571+5G>C (NM_001159291.2).
Identifiers: ClinVar variation 2028654 (VCV002028654.4), dbSNP rs752133056, ClinGen allele CA3953735.